The following is an entry in ClinVar:

ClinVar aggregate classification (germline): Uncertain significance (1 of 4 stars; one submission).

Conditions:
Bethlem myopathy 1A. Also called: Bethlem Muscular Dystrophy; MYOPATHY, BENIGN CONGENITAL, WITH CONTRACTURES; Bethlem myopathy 1. Identifiers: Orphanet 610, MedGen CN029274, MONDO:0024530, OMIM 158810.

Submission:

Labcorp Genetics (formerly Invitae), Labcorp
Classification: Uncertain significance for Bethlem myopathy 1A. Last evaluated: 2022-07-19. Review status: criteria provided, single submitter. Criteria: Invitae Variant Classification Sherloc (09022015). Collection method: clinical testing. Allele origin: germline.
Comment: This sequence change replaces valine, which is neutral and non-polar, with leucine, which is neutral and non-polar, at codon 725 of the COL6A2 protein (p.Val725Leu). In summary, the available evidence is currently insufficient to determine the role of this variant in disease. Therefore, it has been classified as a Variant of Uncertain Significance. Advanced modeling of protein sequence and biophysical properties (such as structural, functional, and spatial information, amino acid conservation, physicochemical variation, residue mobility, and thermodynamic stability) performed at Invitae indicates that this missense variant is not expected to disrupt COL6A2 protein function. ClinVar contains an entry for this variant (Variation ID: 476463). This variant has not been reported in the literature in individuals affected with COL6A2-related conditions. This variant is not present in population databases (gnomAD no frequency).

NM_001849.4(COL6A2):c.2173G>T (p.Val725Leu)

Gene: COL6A2 (collagen type VI alpha 2 chain; plus strand). Cytogenetic location: 21q22.3.
Variant type: single nucleotide variant.
Coding change: c.2173G>T on transcript NM_001849.4 (MANE Select); coding-DNA position 2173, G replaced by T.
Protein change: p.Val725Leu; replaces valine 725 with leucine.
Molecular consequence: missense variant.
Genome position (GRCh38, 1-based): chr21:46,125,988, G>T. VCF-style: chr21-46125988-G-T. GRCh37 (hg19) VCF-style: chr21-47545902-G-T.
Other names: c.2173G>T, p.Val725Leu (NM_058174.3, NM_058175.3); short protein forms V725L.
Identifiers: ClinVar variation 476463 (VCV000476463.9), dbSNP rs1555875749, ClinGen allele CA410541879.